The following is an entry in ClinVar:

ClinVar aggregate classification (germline): Uncertain significance (1 of 4 stars; one submission).

Conditions:
Hereditary cancer-predisposing syndrome. Also called: Neoplastic Syndromes, Hereditary; Tumor predisposition; Hereditary Cancer Syndrome; Hereditary neoplastic syndrome. Identifiers: Orphanet 140162, MedGen C0027672, MeSH D009386, MONDO:0015356.

Submission:

Ambry Genetics
Classification: Uncertain significance for Hereditary cancer-predisposing syndrome. Last evaluated: 2025-10-23. Review status: criteria provided, single submitter. Criteria: Ambry Variant Classification Scheme 2023. Collection method: clinical testing. Allele origin: germline.
Comment: The c.705+4G>A intronic variant results from a G to A substitution 4 nucleotides after coding exon 6 in the PMS2 gene. This nucleotide position is not well conserved in available vertebrate species. In silico splice site analysis predicts that this alteration will not have any significant effect on splicing. Based on the available evidence, the clinical significance of this variant remains unclear.

NM_000535.7(PMS2):c.705+4G>A

Gene: PMS2 (PMS1 homolog 2, mismatch repair system component; minus strand). Cytogenetic location: 7p22.1.
Variant type: single nucleotide variant.
Coding change: c.705+4G>A on transcript NM_000535.7 (MANE Select); 4 bases into the intron after coding-DNA position 705, G replaced by A.
Molecular consequence: intron variant.
Genome position (GRCh38, 1-based): chr7:5,999,104, C>T on the plus strand (G>A on the coding strand, the complement: PMS2 is on the minus strand). VCF-style: chr7-5999104-C-T. GRCh37 (hg19) VCF-style: chr7-6038735-C-T.
Other names: c.387+4G>A (NM_001322008.2, NM_001406902.1, NM_001406883.1 and 4 more transcripts); c.396+4G>A (NM_001406881.1, NM_001406879.1, NM_001322015.2 and 6 more transcripts); c.300+4G>A (NM_001406895.1, NM_001322010.2, NM_001322004.2 and 19 more transcripts); c.132+3349G>A (NM_001406911.1); c.192+112G>A (NM_001406904.1, NM_001406905.1); c.133-1681G>A (NM_001322013.2, NM_001406909.1); c.-229+4G>A (NM_001322012.2, NM_001322011.2); c.369+4G>A (NM_001406885.1); and 6 more.
Identifiers: ClinVar variation 4667414 (VCV004667414.1).